The following is an entry in ClinVar:

ClinVar aggregate classification (germline): Uncertain significance. Review status: criteria provided, multiple submitters, no conflicts (2 of 4 stars). 2 submissions from 2 submitters: Uncertain significance (2). Last evaluated 2024-07-02.

Conditions:
Inborn genetic diseases. Identifiers: MedGen C0950123, MeSH D030342.

Allele frequency attached by ClinVar (database versions not stated): TOPMed below 0.00001; gnomAD exomes 0.00001.
gnomAD v4.1: 18 of 1,613,262 alleles (0.0011%); highest among the groups gnomAD compares: Non-Finnish European, 0.0014%; no homozygotes.

Submissions (2):

Ambry Genetics
Classification: Uncertain significance for Inborn genetic diseases. Last evaluated: 2024-07-02. Review status: criteria provided, single submitter. Criteria: Ambry Variant Classification Scheme 2023. Collection method: clinical testing. Allele origin: germline.

Labcorp Genetics (formerly Invitae), Labcorp
Classification: Uncertain significance. Last evaluated: 2023-12-11. Review status: criteria provided, single submitter. Criteria: Invitae Variant Classification Sherloc (09022015). Collection method: clinical testing. Allele origin: germline.
Comment: This sequence change replaces cysteine, which is neutral and slightly polar, with tyrosine, which is neutral and polar, at codon 849 of the TTC37 protein (p.Cys849Tyr). This variant is present in population databases (no rsID available, gnomAD 0.007%). This variant has not been reported in the literature in individuals affected with TTC37-related conditions. ClinVar contains an entry for this variant (Variation ID: 1497354). An algorithm developed to predict the effect of missense changes on protein structure and function (PolyPhen-2) suggests that this variant is likely to be disruptive. In summary, the available evidence is currently insufficient to determine the role of this variant in disease. Therefore, it has been classified as a Variant of Uncertain Significance.

NM_014639.4(SKIC3):c.2546G>A (p.Cys849Tyr)

Gene: SKIC3 (SKI3 subunit of superkiller complex; minus strand). Cytogenetic location: 5q15.
Variant type: single nucleotide variant.
Coding change: c.2546G>A on transcript NM_014639.4 (MANE Select); coding-DNA position 2546, G replaced by A.
Protein change: p.Cys849Tyr; replaces cysteine 849 with tyrosine.
Molecular consequence: missense variant.
Genome position (GRCh38, 1-based): chr5:95,516,556, C>T on the plus strand (G>A on the coding strand, the complement: SKIC3 is on the minus strand). VCF-style: chr5-95516556-C-T. GRCh37 (hg19) VCF-style: chr5-94852260-C-T.
Other names: c.2546G>A (NM_014639.3); short protein forms C849Y.
Identifiers: ClinVar variation 1497354 (VCV001497354.6), dbSNP rs902053675, ClinGen allele CA122852347.